The following is an entry in ClinVar:

NM_001164508.2(NEB):c.8305G>A (p.Gly2769Ser)

Gene: NEB (nebulin; minus strand). Cytogenetic location: 2q23.3.
Variant type: single nucleotide variant.
Coding change: c.8305G>A on transcript NM_001164508.2 (MANE Select); coding-DNA position 8305, G replaced by A.
Protein change: p.Gly2769Ser; replaces glycine 2769 with serine.
Molecular consequence: missense variant.
Genome position (GRCh38, 1-based): chr2:151,642,642, C>T on the plus strand (G>A on the coding strand, the complement: NEB is on the minus strand). VCF-style: chr2-151642642-C-T. GRCh37 (hg19) VCF-style: chr2-152499156-C-T.
Other names: c.8305G>A, p.Gly2769Ser (NM_001164507.2, NM_001271208.2, NM_004543.5); short protein forms G2769S.
Identifiers: ClinVar variation 2011415 (VCV002011415.1), dbSNP rs2552246532, ClinGen allele CA348812632.

ClinVar aggregate classification (germline): Uncertain significance (1 of 4 stars; one submission).

Conditions:
Nemaline myopathy 2 (NEM2). Also called: Nemaline myopathy 2, autosomal recessive. Identifiers: MedGen C1850569, MONDO:0009725, OMIM 256030.

gnomAD v4.1: 1 of 1,613,960 alleles (0.000062%); highest among the groups gnomAD compares: Non-Finnish European, 0.000085%; no homozygotes.

Submission:

Labcorp Genetics (formerly Invitae), Labcorp
Classification: Uncertain significance for Nemaline myopathy 2. Last evaluated: 2022-08-04. Review status: criteria provided, single submitter. Criteria: Invitae Variant Classification Sherloc (09022015). Collection method: clinical testing. Allele origin: germline.
Comment: This sequence change replaces glycine, which is neutral and non-polar, with serine, which is neutral and polar, at codon 2769 of the NEB protein (p.Gly2769Ser). This variant is not present in population databases (gnomAD no frequency). This variant has not been reported in the literature in individuals affected with NEB-related conditions. Algorithms developed to predict the effect of missense changes on protein structure and function are either unavailable or do not agree on the potential impact of this missense change (SIFT: "Deleterious"; PolyPhen-2: "Not Available"; Align-GVGD: "Class C0"). In summary, the available evidence is currently insufficient to determine the role of this variant in disease. Therefore, it has been classified as a Variant of Uncertain Significance.